The following is an entry in ClinVar:

NM_006767.4(LZTR1):c.2325+3A>G

Gene: LZTR1 (leucine zipper like post translational regulator 1; plus strand). Cytogenetic location: 22q11.21.
Variant type: single nucleotide variant.
Coding change: c.2325+3A>G on transcript NM_006767.4 (MANE Select); 3 bases into the intron after coding-DNA position 2325, A replaced by G.
Molecular consequence: intron variant.
Genome position (GRCh38, 1-based): chr22:20,996,804, A>G. VCF-style: chr22-20996804-A-G. GRCh37 (hg19) VCF-style: chr22-21351093-A-G.
Identifiers: ClinVar variation 1789631 (VCV001789631.6), dbSNP rs1380897116, ClinGen allele CA751569065.
Genomic context (GRCh38, chr22:20,996,804, plus strand): 5'-GCAGGCGTACTGCAAGCAGAACCTGGAGATGAACGTGACGGTGCAGAACGTGCTGCAGGT[A>G]GCCCCCCAGCCCCGTGCACATGGCTGCAGCTCCCACTGAGTGGGTGAAAGGGGCAGCGCC-3'

ClinVar aggregate classification (germline): Uncertain significance. Review status: criteria provided, multiple submitters, no conflicts (2 of 4 stars). 2 submissions from 2 submitters: Uncertain significance (2). Last evaluated 2025-05-29.

Conditions:
Hereditary cancer-predisposing syndrome. Also called: Hereditary Cancer Syndrome; Hereditary neoplastic syndrome; Tumor predisposition; Neoplastic Syndromes, Hereditary. Identifiers: Orphanet 140162, MedGen C0027672, MeSH D009386, MONDO:0015356.
Cardiovascular phenotype. Identifiers: MedGen CN230736.

Allele frequency attached by ClinVar (database versions not stated): gnomAD 0.00001; TOPMed 0.00001.

Submissions (2):

Ambry Genetics
Classification: Uncertain significance for Cardiovascular phenotype; Hereditary cancer-predisposing syndrome. Last evaluated: 2025-05-29. Review status: criteria provided, single submitter. Criteria: Ambry Variant Classification Scheme 2023. Collection method: clinical testing. Allele origin: germline.
Comment: The c.2325+3A>G intronic variant results from an A to G substitution 3 nucleotides after coding exon 19 in the LZTR1 gene. This nucleotide position is highly conserved in available vertebrate species. In silico splice site analysis predicts that this alteration will weaken the native splice donor site; however, direct evidence is insufficient at this time (Ambry internal data). Based on the available evidence, the clinical significance of this variant remains unclear.

Labcorp Genetics (formerly Invitae), Labcorp
Classification: Uncertain significance. Last evaluated: 2024-09-30. Review status: criteria provided, single submitter. Criteria: Invitae Variant Classification Sherloc (09022015). Collection method: clinical testing. Allele origin: germline.
Comment: This sequence change falls in intron 19 of the LZTR1 gene. It does not directly change the encoded amino acid sequence of the LZTR1 protein. It affects a nucleotide within the consensus splice site. This variant is not present in population databases (gnomAD no frequency). This variant has not been reported in the literature in individuals affected with LZTR1-related conditions. ClinVar contains an entry for this variant (Variation ID: 1789631). Variants that disrupt the consensus splice site are a relatively common cause of aberrant splicing (PMID: 17576681, 9536098). Algorithms developed to predict the effect of sequence changes on RNA splicing suggest that this variant may disrupt the consensus splice site. In summary, the available evidence is currently insufficient to determine the role of this variant in disease. Therefore, it has been classified as a Variant of Uncertain Significance.

Literature cited by the submitters: PubMed 17576681 (cited by Labcorp Genetics (formerly Invitae), Labcorp); PubMed 9536098 (cited by Labcorp Genetics (formerly Invitae), Labcorp).